The following is an entry in ClinVar:

NM_001166108.2(PALLD):c.2065C>T (p.Arg689Cys)

Gene: PALLD (palladin, cytoskeletal associated protein; plus strand). Cytogenetic location: 4q32.3.
Variant type: single nucleotide variant.
Coding change: c.2065C>T on transcript NM_001166108.2 (MANE Select); coding-DNA position 2065, C replaced by T.
Protein change: p.Arg689Cys; replaces arginine 689 with cysteine.
Molecular consequence: missense variant. On other transcripts: 5 prime UTR variant (4).
Genome position (GRCh38, 1-based): chr4:168,891,022, C>T. VCF-style: chr4-168891022-C-T. GRCh37 (hg19) VCF-style: chr4-169812173-C-T.
Other names: c.2065C>T (NM_016081.3); c.919C>T, p.Arg307Cys (NM_001166109.2); c.604C>T, p.Arg202Cys (NM_001166110.2); c.-57C>T (NM_001367567.1, NM_001367568.1, NM_001367569.1 and 1 more transcripts); c.2065C>T, p.Arg689Cys (NM_016081.4); short protein forms R307C, R202C, R689C.
Identifiers: ClinVar variation 2158290 (VCV002158290.5), dbSNP rs1329675171, ClinGen allele CA358797270.

ClinVar aggregate classification (germline): Uncertain significance. Review status: criteria provided, multiple submitters, no conflicts (2 of 4 stars). 2 submissions from 2 submitters: Uncertain significance (2). Last evaluated 2023-12-14.

Conditions:
Pancreatic adenocarcinoma. Identifiers: MedGen C0281361, MONDO:0006047, HP:0006725.

Allele frequency attached by ClinVar (database versions not stated): gnomAD exomes below 0.00001.
gnomAD v4.1: 7 of 1,614,118 alleles (0.00043%); highest among the groups gnomAD compares: East Asian, 0.0045%; no homozygotes.

Submissions (2):

Ambry Genetics
Classification: Uncertain significance. Last evaluated: 2023-12-14. Review status: criteria provided, single submitter. Criteria: Ambry Variant Classification Scheme 2023. Collection method: clinical testing. Allele origin: germline.
Comment: The p.R689C variant (also known as c.2065C>T), located in coding exon 10 of the PALLD gene, results from a C to T substitution at nucleotide position 2065. The arginine at codon 689 is replaced by cysteine, an amino acid with highly dissimilar properties. This amino acid position is conserved. In addition, this alteration is predicted to be deleterious by in silico analysis. Since supporting evidence is limited at this time, the clinical significance of this alteration remains unclear.

Labcorp Genetics (formerly Invitae), Labcorp
Classification: Uncertain significance for Pancreatic adenocarcinoma. Last evaluated: 2022-07-27. Review status: criteria provided, single submitter. Criteria: Invitae Variant Classification Sherloc (09022015). Collection method: clinical testing. Allele origin: germline.
Comment: This variant is present in population databases (no rsID available, gnomAD 0.003%). In summary, the available evidence is currently insufficient to determine the role of this variant in disease. Therefore, it has been classified as a Variant of Uncertain Significance. Algorithms developed to predict the effect of missense changes on protein structure and function are either unavailable or do not agree on the potential impact of this missense change (SIFT: "Deleterious"; PolyPhen-2: "Benign"; Align-GVGD: "Class C65"). This variant has not been reported in the literature in individuals affected with PALLD-related conditions. This sequence change replaces arginine, which is basic and polar, with cysteine, which is neutral and slightly polar, at codon 202 of the PALLD protein (p.Arg202Cys).